The following is an entry in ClinVar:

ClinVar aggregate classification (germline): other (0 of 4 stars; one submission).

Conditions:
Familial colorectal cancer. Identifiers: MedGen CN280943, MONDO:0023113. Disease mechanism: loss of function.

Submission:

Systems Biology Platform Zhejiang California International NanoSystems Institute
Classification: other for Familial colorectal cancer. Review status: no assertion criteria provided. Collection method: not provided. Allele origin: unknown.
ClinVar note: Converted during submission from cancer to other.

NM_000038.6(APC):c.1743+442G>C

Gene: APC (APC regulator of WNT signaling pathway; plus strand). Cytogenetic location: 5q22.2.
Variant type: single nucleotide variant.
Coding change: c.1743+442G>C on transcript NM_000038.6 (MANE Select); 442 bases into the intron after coding-DNA position 1743, G replaced by C.
Molecular consequence: intron variant.
Genome position (GRCh38, 1-based): chr5:112,829,414, G>C. VCF-style: chr5-112829414-G-C. GRCh37 (hg19) VCF-style: chr5-112165111-G-C.
Other names: c.1743+442G>C (NM_001354895.2, NM_001127510.3); c.1773+442G>C (NM_001354897.2); c.1470+442G>C (NM_001354902.2); c.1689+442G>C (NM_001127511.3); c.1668+442G>C (NM_001354898.2); c.1365+442G>C (NM_001354904.2); c.894+442G>C (NM_001354906.2); c.1797+442G>C (NM_001354896.2); and 5 more.
Identifiers: ClinVar variation 82586 (VCV000082586.2), dbSNP rs79659088, ClinGen allele CA005682.